The following is an entry in ClinVar:

NM_014915.3(ANKRD26):c.1469C>T (p.Pro490Leu)

Gene: ANKRD26 (ankyrin repeat domain 26; minus strand). Cytogenetic location: 10p12.1.
Variant type: single nucleotide variant.
Coding change: c.1469C>T on transcript NM_014915.3 (MANE Select); coding-DNA position 1469, C replaced by T.
Protein change: p.Pro490Leu; replaces proline 490 with leucine.
Molecular consequence: missense variant.
Genome position (GRCh38, 1-based): chr10:27,060,534, G>A on the plus strand (C>T on the coding strand, the complement: ANKRD26 is on the minus strand). VCF-style: chr10-27060534-G-A. GRCh37 (hg19) VCF-style: chr10-27349463-G-A.
Other names: c.1469C>T, p.Pro490Leu (NM_001256053.2); short protein forms P490L.
Identifiers: ClinVar variation 4825336 (VCV004825336.1).

ClinVar aggregate classification (germline): Uncertain significance (1 of 4 stars; one submission).

Conditions:
Inborn genetic diseases. Identifiers: MedGen C0950123, MeSH D030342.

gnomAD v4.1: 4 of 1,541,198 alleles (0.00026%); highest among the groups gnomAD compares: Non-Finnish European, 0.00036%; no homozygotes.

Submission:

Ambry Genetics
Classification: Uncertain significance for Inborn genetic diseases. Last evaluated: 2026-01-14. Review status: criteria provided, single submitter. Criteria: Ambry Variant Classification Scheme 2023. Collection method: clinical testing. Allele origin: germline.
Comment: The p.P490L variant (also known as c.1469C>T), located in coding exon 14 of the ANKRD26 gene, results from a C to T substitution at nucleotide position 1469. The proline at codon 490 is replaced by leucine, an amino acid with similar properties. This amino acid position is conserved. In addition, this alteration is predicted to be tolerated by in silico analysis. Based on the available evidence, the clinical significance of this variant remains unclear.